The following is an entry in ClinVar:

NM_015046.7(SETX):c.2830C>G (p.Pro944Ala)

Gene: SETX (senataxin; minus strand). Cytogenetic location: 9q34.13.
Variant type: single nucleotide variant.
Coding change: c.2830C>G on transcript NM_015046.7 (MANE Select); coding-DNA position 2830, C replaced by G.
Protein change: p.Pro944Ala; replaces proline 944 with alanine.
Molecular consequence: missense variant.
Genome position (GRCh38, 1-based): chr9:132,328,768, G>C on the plus strand (C>G on the coding strand, the complement: SETX is on the minus strand). VCF-style: chr9-132328768-G-C. GRCh37 (hg19) VCF-style: chr9-135204155-G-C.
Other names: c.2830C>G, p.Pro944Ala (NM_001351527.2, NM_001351528.2); short protein forms P944A.
Identifiers: ClinVar variation 2924333 (VCV002924333.4), dbSNP rs746526319, ClinGen allele CA5297529.

ClinVar aggregate classification (germline): Conflicting classifications of pathogenicity. Review status: criteria provided, conflicting classifications (1 of 4 stars). 2 submissions from 2 submitters: Uncertain significance (1); Benign (1). Last evaluated 2026-03-06.

Conditions:
Spinocerebellar ataxia, autosomal recessive, with axonal neuropathy 2 (SCAN2). Also called: ATAXIA-OCULOMOTOR APRAXIA 2; Ataxia with Oculomotor Apraxia; Ataxia-ocular apraxia-2; Ataxia with Oculomotor Apraxia Type 2. Identifiers: Orphanet 64753, MedGen C1853761, MONDO:0018996, OMIM 606002.
Amyotrophic lateral sclerosis type 4 (ALS4). Also called: AMYOTROPHIC LATERAL SCLEROSIS 4, JUVENILE; NEURONOPATHY, DISTAL HEREDITARY MOTOR, WITH PYRAMIDAL FEATURES. Identifiers: Orphanet 357043, MedGen C1865409, MONDO:0011223, OMIM 602433.

Allele frequency attached by ClinVar (database versions not stated): ExAC 0.00001; gnomAD exomes 0.00001.
gnomAD v4.1: 5 of 1,610,668 alleles (0.00031%); highest among the groups gnomAD compares: Admixed American, 0.0084%; no homozygotes.

Submissions (2):

Women's Health and Genetics/Laboratory Corporation of America, LabCorp
Classification: Uncertain significance. Last evaluated: 2026-03-06. Review status: criteria provided, single submitter. Criteria: LabCorp Variant Classification Summary - May 2015. Collection method: clinical testing. Allele origin: germline.
Comment: Variant summary: SETX c.2830C>G (p.Pro944Ala) results in a non-conservative amino acid change in the encoded protein sequence. Algorithms developed to predict the effect of missense changes on protein structure and function are either unavailable or do not agree on the potential impact of this missense change. The variant allele was found at a frequency of 2e-05 in 247164 control chromosomes, predominantly at a frequency of 0.00015 within the Latino subpopulation in the gnomAD database. The available data on variant occurrences in the general population are insufficient to allow any conclusion about variant significance. To our knowledge, no occurrence of c.2830C>G in individuals affected with SETX-related conditions and no experimental evidence demonstrating its impact on protein function have been reported. ClinVar contains an entry for this variant (Variation ID: 2924333). Based on the evidence outlined above, the variant was classified as uncertain significance.

Labcorp Genetics (formerly Invitae), Labcorp
Classification: Benign for Amyotrophic lateral sclerosis type 4; Spinocerebellar ataxia, autosomal recessive, with axonal neuropathy 2. Last evaluated: 2024-04-16. Review status: criteria provided, single submitter. Criteria: Invitae Variant Classification Sherloc (09022015). Collection method: clinical testing. Allele origin: germline.